The following is an entry in ClinVar:

NM_022367.4(SEMA4A):c.81GAC[2] (p.Thr30del)

Gene: SEMA4A (semaphorin 4A; plus strand). Cytogenetic location: 1q22.
Variant type: Microsatellite.
Coding change: c.81GAC[2] on transcript NM_022367.4 (MANE Select); two copies in a row of the 3-base unit GAC starting at c.81; the reference has three copies in a row; one copy, 3 bases deleted; also written c.87_89del.
Protein change: p.Thr30del; deletes threonine 30.
Molecular consequence: inframe deletion. On other transcripts: 5 prime UTR variant (1), intron variant (3).
Genome position (GRCh38, 1-based): chr1:156,154,665-156,154,667, GAC deleted; deleting any 3 consecutive bases within chr1:156,154,658-156,154,667 gives the same sequence; the position shown is the placement nearest the transcript's 3' end. VCF-style (leftmost placement, unchanged base first): chr1-156154657-CCGA-C. GRCh37 (hg19) VCF-style: chr1-156124448-CCGA-C.
Other names: c.87_89del (NM_022367.4); c.81GAC[2], p.Thr30del (NM_001193300.2, NM_001193301.2, NM_001370567.1); c.-444GAC[2] (NM_001370571.1); c.-385-1756CGA[2] (NM_001370569.1); c.-158-1756CGA[2] (NM_001370568.1); c.-159+894CGA[2] (NM_001193302.2); short protein forms T30del.
Identifiers: ClinVar variation 1522316 (VCV001522316.10), dbSNP rs760427067, ClinGen allele CA526470048.

ClinVar aggregate classification (germline): Uncertain significance. Review status: criteria provided, multiple submitters, no conflicts (2 of 4 stars). 3 submissions from 3 submitters: Uncertain significance (2). 1 of the submissions does not count toward it. Last evaluated 2024-04-22.

Conditions:
Retinal dystrophy. Also called: Inherited retinal dystrophy. Identifiers: Orphanet 71862, MedGen C0854723, MeSH D058499, MONDO:0019118, HP:0000556.

Submissions (3):

Labcorp Genetics (formerly Invitae), Labcorp
Classification: Uncertain significance. Last evaluated: 2024-04-22. Review status: criteria provided, single submitter. Criteria: Invitae Variant Classification Sherloc (09022015). Collection method: clinical testing. Allele origin: germline.
Comment: This variant, c.87_89del, results in the deletion of 1 amino acid(s) of the SEMA4A protein (p.Thr30del), but otherwise preserves the integrity of the reading frame. This variant is present in population databases (no rsID available, gnomAD 0.01%). This variant has not been reported in the literature in individuals affected with SEMA4A-related conditions. Experimental studies and prediction algorithms are not available or were not evaluated, and the functional significance of this variant is currently unknown. In summary, the available evidence is currently insufficient to determine the role of this variant in disease. Therefore, it has been classified as a Variant of Uncertain Significance.

Blueprint Genetics
Classification: Uncertain significance. Last evaluated: 2023-05-29. Review status: criteria provided, single submitter. Criteria: ACMG Guidelines, 2015. Collection method: clinical testing. Allele origin: germline.

Institute of Human Genetics, Univ. Regensburg, Univ. Regensburg
Classification: Uncertain significance for Retinal dystrophy. Last evaluated: 2022-01-01. Review status: no assertion criteria provided. Criteria: ACMG Guidelines, 2015. Collection method: clinical testing. Allele origin: germline. Affected: yes. Not counted in ClinVar's aggregate classification.